The following is an entry in ClinVar:

NM_206933.4(USH2A):c.13019G>T (p.Gly4340Val)

Gene: USH2A (usherin; minus strand). Cytogenetic location: 1q41.
Variant type: single nucleotide variant.
Coding change: c.13019G>T on transcript NM_206933.4 (MANE Select); coding-DNA position 13019, G replaced by T.
Protein change: p.Gly4340Val; replaces glycine 4340 with valine.
Molecular consequence: missense variant.
Genome position (GRCh38, 1-based): chr1:215,674,892, C>A on the plus strand (G>T on the coding strand, the complement: USH2A is on the minus strand). VCF-style: chr1-215674892-C-A. GRCh37 (hg19) VCF-style: chr1-215848234-C-A.
Other names: short protein forms G4340V.
Identifiers: ClinVar variation 522486 (VCV000522486.6), dbSNP rs1419157426, ClinGen allele CA344847803.
Genomic context (GRCh38, chr1:215,674,892, plus strand): 5'-CTGACTTCTGATGGAGCAGCCTCCAGAGTTGTGATGCTGGTGGGTTTGCTGGTGGAGCAT[C>A]CTCCACTCGTGCAGGCTTGGAGTGCATAGCTATAGGTGGAAAAAGGAAGAAGCTCTTCAT-3'
Protein context (NP_996816.3, residues 4330-4350): SYALQACTSG[Gly4340Val]CSTSKPTSIT

ClinVar aggregate classification (germline): Conflicting classifications of pathogenicity. Review status: criteria provided, conflicting classifications (1 of 4 stars). 3 submissions from 3 submitters: Likely pathogenic (1); Uncertain significance (1). 1 of the submissions does not count toward it. Last evaluated 2026-05-22.

Conditions:
USH2A-related disorder. Also called: USH2A-related condition; USH2A-related disorders. Identifiers: MedGen CN239332.
Retinitis pigmentosa 39 (RP39). Identifiers: Orphanet 791, MedGen C3151138, MONDO:0013436, OMIM 613809.

Submissions (3):

Myriad Genetics, Inc.
Classification: Uncertain significance for USH2A-related disorder. Last evaluated: 2026-05-22. Review status: criteria provided, single submitter. Criteria: Myriad Autosomal Dominant, Autosomal Recessive and X-Linked Classification Criteria (2023). Collection method: clinical testing. Allele origin: unknown.
Comment: NM_206933.2(USH2A):c.13019G>T(G4340V) is a missense variant classified as a variant of uncertain significance in the context of USH2A-related disorders. G4340V has not been observed in cases with relevant disease. Relevant functional assessments of this variant are not available in the literature. G4340V has not been observed in referenced population frequency databases. In summary, there is insufficient evidence to classify NM_206933.2(USH2A):c.13019G>T(G4340V) as pathogenic or benign. Please note: this variant was assessed in the context of healthy population screening.

Labcorp Genetics (formerly Invitae), Labcorp
Classification: Likely pathogenic. Last evaluated: 2023-04-14. Review status: criteria provided, single submitter. Criteria: Invitae Variant Classification Sherloc (09022015). Collection method: clinical testing. Allele origin: germline.
Comment: In summary, the currently available evidence indicates that the variant is pathogenic, but additional data are needed to prove that conclusively. Therefore, this variant has been classified as Likely Pathogenic. This variant disrupts the p.Gly4340 amino acid residue in USH2A. Other variant(s) that disrupt this residue have been determined to be pathogenic (PMID: 27460420, 30073356). This suggests that this residue is clinically significant, and that variants that disrupt this residue are likely to be disease-causing. Advanced modeling of protein sequence and biophysical properties (such as structural, functional, and spatial information, amino acid conservation, physicochemical variation, residue mobility, and thermodynamic stability) performed at Invitae indicates that this missense variant is expected to disrupt USH2A protein function. ClinVar contains an entry for this variant (Variation ID: 522486). This variant has not been reported in the literature in individuals affected with USH2A-related conditions. This variant is not present in population databases (gnomAD no frequency). This sequence change replaces glycine, which is neutral and non-polar, with valine, which is neutral and non-polar, at codon 4340 of the USH2A protein (p.Gly4340Val).

Bioscientia Institut fuer Medizinische Diagnostik GmbH, Sonic Healthcare
Classification: Likely pathogenic for Retinitis pigmentosa 39. Last evaluated: 2017-09-18. Review status: no assertion criteria provided. Collection method: clinical testing. Allele origin: germline. Affected: yes. Not counted in ClinVar's aggregate classification.

Literature cited by the submitters: PubMed 27460420 (cited by Labcorp Genetics (formerly Invitae), Labcorp); PubMed 30073356 (cited by Labcorp Genetics (formerly Invitae), Labcorp).